The following is an entry in ClinVar:

ClinVar aggregate classification (germline): Uncertain significance (1 of 4 stars; one submission).

Conditions:
Neonatal-onset encephalopathy with rigidity and seizures. Also called: Lethal neonatal spasticity-epileptic encephalopathy syndrome. Identifiers: Orphanet 435845, MedGen C3281029, MONDO:0013784, OMIM 614498.

Allele frequency attached by ClinVar (database versions not stated): gnomAD exomes 0.00004.
gnomAD v4.1: 64 of 1,613,262 alleles (0.004%); highest among the groups gnomAD compares: Non-Finnish European, 0.0049%; no homozygotes.

Submission:

Labcorp Genetics (formerly Invitae), Labcorp
Classification: Uncertain significance for Neonatal-onset encephalopathy with rigidity and seizures. Last evaluated: 2025-05-22. Review status: criteria provided, single submitter. Criteria: Invitae Variant Classification Sherloc (09022015). Collection method: clinical testing. Allele origin: germline.
Comment: This sequence change replaces alanine, which is neutral and non-polar, with threonine, which is neutral and polar, at codon 704 of the BRAT1 protein (p.Ala704Thr). This variant is present in population databases (rs772032271, gnomAD 0.01%). This variant has not been reported in the literature in individuals affected with BRAT1-related conditions. ClinVar contains an entry for this variant (Variation ID: 1371539). Invitae Evidence Modeling of protein sequence and biophysical properties (such as structural, functional, and spatial information, amino acid conservation, physicochemical variation, residue mobility, and thermodynamic stability) has been performed for this missense variant. However, the output from this modeling did not meet the statistical confidence thresholds required to predict the impact of this variant on BRAT1 protein function. In summary, the available evidence is currently insufficient to determine the role of this variant in disease. Therefore, it has been classified as a Variant of Uncertain Significance.

NM_152743.4(BRAT1):c.2110G>A (p.Ala704Thr)

Gene: BRAT1 (BRCA1 associated ATM activator 1; minus strand). Cytogenetic location: 7p22.3.
Variant type: single nucleotide variant.
Coding change: c.2110G>A on transcript NM_152743.4 (MANE Select); coding-DNA position 2110, G replaced by A.
Protein change: p.Ala704Thr; replaces alanine 704 with threonine.
Molecular consequence: missense variant. On other transcripts: non-coding transcript variant (1).
Genome position (GRCh38, 1-based): chr7:2,538,425, C>T on the plus strand (G>A on the coding strand, the complement: BRAT1 is on the minus strand). VCF-style: chr7-2538425-C-T. GRCh37 (hg19) VCF-style: chr7-2578059-C-T.
Other names: c.2290G>A, p.Ala764Thr (NM_001350626.2); c.1585G>A, p.Ala529Thr (NM_001350627.2); short protein forms A764T, A704T, A529T.
Identifiers: ClinVar variation 1371539 (VCV001371539.7), dbSNP rs772032271, ClinGen allele CA4127452.